The following is an entry in ClinVar:

ClinVar aggregate classification (germline): Likely benign (1 of 4 stars; one submission).

gnomAD v4.1: 52 of 1,613,488 alleles (0.0032%); highest among the groups gnomAD compares: Non-Finnish European, 0.0041%; no homozygotes.

Submission:

CeGaT Center for Human Genetics Tuebingen
Classification: Likely benign. Last evaluated: 2025-01-01. Review status: criteria provided, single submitter. Criteria: CeGaT Center For Human Genetics Tuebingen Variant Classification Criteria Version 2. Collection method: clinical testing. Allele origin: germline. Affected: yes. Observed: 1 variant allele.
Comment: NCAPD2: BP4, BP7

NM_014865.4(NCAPD2):c.3000C>T (p.Cys1000=)

Gene: NCAPD2 (non-SMC condensin I complex subunit D2; plus strand). Cytogenetic location: 12p13.31.
Variant type: single nucleotide variant.
Coding change: c.3000C>T on transcript NM_014865.4 (MANE Select); coding-DNA position 3000, C replaced by T.
Protein change: p.Cys1000=; no amino-acid change (cysteine 1000 retained).
Molecular consequence: synonymous variant.
Genome position (GRCh38, 1-based): chr12:6,527,869, C>T. VCF-style: chr12-6527869-C-T. GRCh37 (hg19) VCF-style: chr12-6637035-C-T.
Identifiers: ClinVar variation 3770632 (VCV003770632.13).